The following is an entry in ClinVar:

ClinVar aggregate classification (germline): Uncertain significance. Review status: criteria provided, multiple submitters, no conflicts (2 of 4 stars). 2 submissions from 2 submitters: Uncertain significance (2). Last evaluated 2024-08-12.

Conditions:
Acromelic frontonasal dysostosis (AFND). Identifiers: Orphanet 1827, MedGen C1863616, MONDO:0011359, OMIM 603671.
Neurodevelopmental disorder with movement abnormalities, abnormal gait, and autistic features. Identifiers: MedGen C4693405, MONDO:0060642, OMIM 617865.

gnomAD v4.1: 4 of 1,165,642 alleles (0.00034%); highest among the groups gnomAD compares: South Asian, 0.0084%; no homozygotes.

Submissions (2):

Labcorp Genetics (formerly Invitae), Labcorp
Classification: Uncertain significance. Last evaluated: 2024-08-12. Review status: criteria provided, single submitter. Criteria: Invitae Variant Classification Sherloc (09022015). Collection method: clinical testing. Allele origin: germline.
Comment: This sequence change replaces glycine, which is neutral and non-polar, with arginine, which is basic and polar, at codon 5 of the ZSWIM6 protein (p.Gly5Arg). This variant is not present in population databases (gnomAD no frequency). This variant has not been reported in the literature in individuals affected with ZSWIM6-related conditions. ClinVar contains an entry for this variant (Variation ID: 1490982). Experimental studies and prediction algorithms are not available or were not evaluated, and the functional significance of this variant is currently unknown. In summary, the available evidence is currently insufficient to determine the role of this variant in disease. Therefore, it has been classified as a Variant of Uncertain Significance.

Juno Genomics, Hangzhou Juno Genomics, Inc
Classification: Uncertain significance for Acromelic frontonasal dysostosis; Neurodevelopmental disorder with movement abnormalities, abnormal gait, and autistic features. Review status: criteria provided, single submitter. Criteria: ACMG Guidelines, 2015. Collection method: clinical testing. Allele origin: germline. Affected: yes.
Comment: Absent from controls (or at extremely low frequency if recessive) in Genome Aggregation Database, Exome Sequencing Project, 1000 Genomes Project, or Exome Aggregation Consortium.;De novo (both maternity and paternity confirmed) in a patient with the disease and no family history.;Patient's phenotype or family history is highly specific for a disease with a single genetic etiology.;Multiple lines of computational evidence suggest no impact on gene or gene product (conservation, evolutionary, splicing impact, etc).

NM_020928.2(ZSWIM6):c.13G>A (p.Gly5Arg)

Gene: ZSWIM6 (zinc finger SWIM-type containing 6; plus strand). Cytogenetic location: 5q12.1.
Variant type: single nucleotide variant.
Coding change: c.13G>A on transcript NM_020928.2 (MANE Select); coding-DNA position 13, G replaced by A.
Protein change: p.Gly5Arg; replaces glycine 5 with arginine.
Molecular consequence: missense variant.
Genome position (GRCh38, 1-based): chr5:61,332,285, G>A. VCF-style: chr5-61332285-G-A. GRCh37 (hg19) VCF-style: chr5-60628112-G-A.
Other names: short protein forms G5R.
Identifiers: ClinVar variation 1490982 (VCV001490982.8), dbSNP rs1744263511, ClinGen allele CA359939802.
Genomic context (GRCh38, chr5:61,332,285, plus strand): 5'-TTTATAGGGTCCCGGCACTTCCGCTGTCGGGTTAGAAGCGGCGCGGTCATGGCGGAGCGC[G>A]GACAGCAGCCTCCTCCCGCGAAACGGCTTTGCTGCCGGCCGGGCGGCGGCGGCGGCGGCG-3'
Protein context (NP_065979.1, residues 1-15): MAER[Gly5Arg]QQPPPAKRLC